The following is an entry in ClinVar:

NC_012920.1(MT-ND6):m.14279G>A

Gene: MT-ND6 (mitochondrially encoded NADH dehydrogenase 6; minus strand).
Variant type: single nucleotide variant.
Genome position: chrM-14279-G-A.
Other names: m.14729G>A.
Identifiers: ClinVar variation 65516 (VCV000065516.4), dbSNP rs869025187, ClinGen allele CA356575.

ClinVar aggregate classification (germline): Uncertain significance. Review status: criteria provided, single submitter (1 of 4 stars). 2 submissions from 2 submitters: Uncertain significance (1). 1 of the submissions does not count toward it. Last evaluated 2019-10-17.

Conditions:
Leber optic atrophy (LHON). Also called: Leber's disease; Leber's optic atrophy; Leber hereditary optic neuropathy; Optic Atrophy, Hereditary, Leber. Identifiers: Orphanet 104, MedGen C0917796, MONDO:0010788, OMIM 535000, HP:0001112.
Leigh syndrome (NULS). Also called: LEIGH SYNDROME, NUCLEAR; Leigh's syndrome; Subacute necrotizing encephalopathy; Necrotizing encephalopathy infantile subacute of Leigh; Leigh Disease; Leigh Syndrome (mtDNA deletion). Identifiers: Orphanet 506, MedGen C2931891, MONDO:0009723, OMIM 256000.

Submissions (2):

Wong Mito Lab, Molecular and Human Genetics, Baylor College of Medicine
Classification: Uncertain significance for Leigh syndrome. Last evaluated: 2019-10-17. Review status: criteria provided, single submitter. Criteria: Modified ACMG Guidelines (Unpublished). Collection method: clinical testing. Allele origin: germline.
Comment: The NC_012920.1:m.14279G>A (YP_003024037.1:p.Ser132Leu) variant in MTND6 gene is interpretated to be a Uncertain Significance variant based on the modified ACMG guidelines (unpublished). This variant meets the following evidence codes: BS1, BP4, PP6

GeneReviews
No classification provided. Condition: Leber optic atrophy. Review status: no classification provided. Collection method: literature only. Allele origin: maternal. Not counted in ClinVar's aggregate classification.

Literature cited by the submitters: PubMed 15922297 (cited by Wong Mito Lab, Molecular and Human Genetics, Baylor College of Medicine); PubMed 30143805 (cited by GeneReviews); PubMed 20301353 (cited by GeneReviews).